The following is an entry in ClinVar:

NM_199355.4(ADAMTS18):c.2978C>A (p.Pro993Gln)

Gene: ADAMTS18 (ADAM metallopeptidase with thrombospondin type 1 motif 18; minus strand). Cytogenetic location: 16q23.1.
Variant type: single nucleotide variant.
Coding change: c.2978C>A on transcript NM_199355.4 (MANE Select); coding-DNA position 2978, C replaced by A.
Protein change: p.Pro993Gln; replaces proline 993 with glutamine.
Molecular consequence: missense variant.
Genome position (GRCh38, 1-based): chr16:77,294,951, G>T on the plus strand (C>A on the coding strand, the complement: ADAMTS18 is on the minus strand). VCF-style: chr16-77294951-G-T. GRCh37 (hg19) VCF-style: chr16-77328848-G-T.
Other names: c.2462C>A, p.Pro821Gln (NM_001326358.2); c.2978C>A (NM_199355.2); short protein forms P993Q, P821Q.
Identifiers: ClinVar variation 1385576 (VCV001385576.7), dbSNP rs751185373, ClinGen allele CA8180680.

ClinVar aggregate classification (germline): Uncertain significance. Review status: criteria provided, multiple submitters, no conflicts (2 of 4 stars). 2 submissions from 2 submitters: Uncertain significance (2). Last evaluated 2025-05-06.

Conditions:
Inborn genetic diseases. Identifiers: MedGen C0950123, MeSH D030342.

Allele frequency attached by ClinVar (database versions not stated): gnomAD exomes 0.00001; ExAC 0.00002.
gnomAD v4.1: 5 of 1,614,154 alleles (0.00031%); highest among the groups gnomAD compares: South Asian, 0.0055%; no homozygotes.

Submissions (2):

Ambry Genetics
Classification: Uncertain significance for Inborn genetic diseases. Last evaluated: 2025-05-06. Review status: criteria provided, single submitter. Criteria: Ambry Variant Classification Scheme 2023. Collection method: clinical testing. Allele origin: germline.

Labcorp Genetics (formerly Invitae), Labcorp
Classification: Uncertain significance. Last evaluated: 2023-08-30. Review status: criteria provided, single submitter. Criteria: Invitae Variant Classification Sherloc (09022015). Collection method: clinical testing. Allele origin: germline.
Comment: In summary, the available evidence is currently insufficient to determine the role of this variant in disease. Therefore, it has been classified as a Variant of Uncertain Significance. An algorithm developed to predict the effect of missense changes on protein structure and function (PolyPhen-2) suggests that this variant is likely to be disruptive. ClinVar contains an entry for this variant (Variation ID: 1385576). This variant has not been reported in the literature in individuals affected with ADAMTS18-related conditions. This variant is present in population databases (rs751185373, gnomAD 0.01%). This sequence change replaces proline with glutamine at codon 993 of the ADAMTS18 protein (p.Pro993Gln). The proline residue is highly conserved and there is a moderate physicochemical difference between proline and glutamine.